The following is an entry in ClinVar:

ClinVar aggregate classification (germline): Uncertain significance (1 of 4 stars; one submission).

Allele frequency attached by ClinVar (database versions not stated): 1000 Genomes Project 30x 0.00016; 1000 Genomes Project 0.00020; ESP Exome Variant Server 0.00023; gnomAD exomes 0.00026; ExAC 0.00028; gnomAD 0.00031; TOPMed 0.00033.
gnomAD v4.1: 443 of 1,614,080 alleles (0.027%); highest among the groups gnomAD compares: Middle Eastern, 1.4%; 1 homozygote.

Submission:

Ambry Genetics
Classification: Uncertain significance. Last evaluated: 2024-07-10. Review status: criteria provided, single submitter. Criteria: Ambry Variant Classification Scheme 2023. Collection method: clinical testing. Allele origin: germline.
Comment: Based on insufficient or conflicting evidence, the clinical significance of this alteration remains unclear.

NM_013337.4(TIMM22):c.319C>T (p.Arg107Cys)

Gene: TIMM22 (translocase of inner mitochondrial membrane 22; plus strand). Cytogenetic location: 17p13.3.
Variant type: single nucleotide variant.
Coding change: c.319C>T on transcript NM_013337.4 (MANE Select); coding-DNA position 319, C replaced by T.
Protein change: p.Arg107Cys; replaces arginine 107 with cysteine.
Molecular consequence: missense variant.
Genome position (GRCh38, 1-based): chr17:998,859, C>T. VCF-style: chr17-998859-C-T. GRCh37 (hg19) VCF-style: chr17-902099-C-T.
Other names: short protein forms R107C.
Identifiers: ClinVar variation 2245335 (VCV002245335.3), dbSNP rs142757997, ClinGen allele CA8264449.